The following is an entry in ClinVar:

ClinVar aggregate classification (germline): Uncertain significance (1 of 4 stars; one submission).

Conditions:
Inborn genetic diseases. Identifiers: MedGen C0950123, MeSH D030342.

Submission:

Ambry Genetics
Classification: Uncertain significance for Inborn genetic diseases. Last evaluated: 2024-07-23. Review status: criteria provided, single submitter. Criteria: Ambry Variant Classification Scheme 2023. Collection method: clinical testing. Allele origin: germline.
Comment: The p.L845P variant (also known as c.2534T>C), located in coding exon 12 of the ATR gene, results from a T to C substitution at nucleotide position 2534. The leucine at codon 845 is replaced by proline, an amino acid with similar properties. This amino acid position is conserved. In addition, this alteration is predicted to be deleterious by in silico analysis. Based on the available evidence, the clinical significance of this variant remains unclear.

NM_001184.4(ATR):c.2534T>C (p.Leu845Pro)

Gene: ATR (ATR serine/threonine kinase; minus strand). Cytogenetic location: 3q23.
Variant type: single nucleotide variant.
Coding change: c.2534T>C on transcript NM_001184.4 (MANE Select); coding-DNA position 2534, T replaced by C.
Protein change: p.Leu845Pro; replaces leucine 845 with proline.
Molecular consequence: missense variant.
Genome position (GRCh38, 1-based): chr3:142,553,739, A>G on the plus strand (T>C on the coding strand, the complement: ATR is on the minus strand). VCF-style: chr3-142553739-A-G. GRCh37 (hg19) VCF-style: chr3-142272581-A-G.
Other names: c.2342T>C, p.Leu781Pro (NM_001354579.2); short protein forms L845P, L781P.
Identifiers: ClinVar variation 3462042 (VCV003462042.1).